The following is an entry in ClinVar:

NM_000083.3(CLCN1):c.2786C>T (p.Thr929Ile)

Gene: CLCN1 (chloride voltage-gated channel 1; plus strand). Cytogenetic location: 7q34.
Variant type: single nucleotide variant.
Coding change: c.2786C>T on transcript NM_000083.3 (MANE Select); coding-DNA position 2786, C replaced by T.
Protein change: p.Thr929Ile; replaces threonine 929 with isoleucine.
Molecular consequence: missense variant. On other transcripts: non-coding transcript variant (1).
Genome position (GRCh38, 1-based): chr7:143,351,784, C>T. VCF-style: chr7-143351784-C-T. GRCh37 (hg19) VCF-style: chr7-143048877-C-T.
Other names: short protein forms T929I.
Identifiers: ClinVar variation 359127 (VCV000359127.12), dbSNP rs777708543, ClinGen allele CA4537786.
Genomic context (GRCh38, chr7:143,351,784, plus strand): 5'-TGCCTGAGGACAGGCCTGGGGCCACTGGAACAGGGGATGTGATTGCTGCCTCCCCAGAGA[C>T]CCCTGTGCCATCTCCTTCCCCAGAGCCCCCTCTCTCCCTGGCCCCAGGCAAGGTAGAGGG-3'
Protein context (NP_000074.3, residues 919-939): TGDVIAASPE[Thr929Ile]PVPSPSPEPP

ClinVar aggregate classification (germline): Uncertain significance. Review status: criteria provided, multiple submitters, no conflicts (2 of 4 stars). 5 submissions from 5 submitters: Uncertain significance (5). Last evaluated 2025-12-20.

Conditions:
Batten-Turner congenital myopathy. Also called: Myotonia congenita; Congenital myotonia. Identifiers: Orphanet 206973, MedGen C0027127, MONDO:0100468, OMIM 255300.
Inborn genetic diseases. Identifiers: MedGen C0950123, MeSH D030342.
Congenital myotonia, autosomal recessive form. Also called: BECKER DISEASE; myotonia congenita, autosomal recessive; Becker Generalized Myotonia. Identifiers: Orphanet 614, MedGen C0751360, MONDO:0009715, OMIM 255700.
Congenital myotonia, autosomal dominant form (THD). Also called: Myotonia congenita autosomal dominant; THOMSEN DISEASE. Identifiers: Orphanet 614, MedGen C2936781, MONDO:0008055, OMIM 160800.

Allele frequency attached by ClinVar (database versions not stated): ExAC 0.00001; TOPMed 0.00001; gnomAD 0.00002.
gnomAD v4.1: 43 of 1,613,962 alleles (0.0027%); highest among the groups gnomAD compares: Non-Finnish European, 0.0036%; no homozygotes.

Submissions (5):

Labcorp Genetics (formerly Invitae), Labcorp
Classification: Uncertain significance for Congenital myotonia, autosomal recessive form; Congenital myotonia, autosomal dominant form. Last evaluated: 2025-12-20. Review status: criteria provided, single submitter. Criteria: Invitae Variant Classification Sherloc (09022015). Collection method: clinical testing. Allele origin: germline.
Comment: This sequence change replaces threonine, which is neutral and polar, with isoleucine, which is neutral and non-polar, at codon 929 of the CLCN1 protein (p.Thr929Ile). This variant is present in population databases (rs777708543, gnomAD 0.002%). This variant has not been reported in the literature in individuals affected with CLCN1-related conditions. ClinVar contains an entry for this variant (Variation ID: 359127). Invitae Evidence Modeling of protein sequence and biophysical properties (such as structural, functional, and spatial information, amino acid conservation, physicochemical variation, residue mobility, and thermodynamic stability) indicates that this missense variant is not expected to disrupt CLCN1 protein function with a negative predictive value of 95%. In summary, the available evidence is currently insufficient to determine the role of this variant in disease. Therefore, it has been classified as a Variant of Uncertain Significance.

GeneDx
Classification: Uncertain significance. Last evaluated: 2024-10-02. Review status: criteria provided, single submitter. Criteria: GeneDx Variant Classification Process June 2021. Collection method: clinical testing. Allele origin: germline. Affected: yes.
Comment: Not observed at significant frequency in large population cohorts (gnomAD); In silico analysis indicates that this missense variant does not alter protein structure/function; Has not been previously published as pathogenic or benign to our knowledge

Ambry Genetics
Classification: Uncertain significance for Inborn genetic diseases. Last evaluated: 2024-10-01. Review status: criteria provided, single submitter. Criteria: Ambry Variant Classification Scheme 2023. Collection method: clinical testing. Allele origin: germline.

Revvity Omics, Revvity
Classification: Uncertain significance. Last evaluated: 2020-02-13. Review status: criteria provided, single submitter. Criteria: ACMG Guidelines, 2015. Collection method: clinical testing. Allele origin: germline.

Illumina Laboratory Services, Illumina
Classification: Uncertain significance for Myotonia congenita. Last evaluated: 2018-01-13. Review status: criteria provided, single submitter. Criteria: ICSL Variant Classification Criteria 13 December 2019. Collection method: clinical testing. Allele origin: germline.